The following is an entry in ClinVar:

ClinVar aggregate classification (germline): Pathogenic/Likely pathogenic. Review status: criteria provided, multiple submitters, no conflicts (2 of 4 stars). 5 submissions from 5 submitters: Pathogenic (1); Likely pathogenic (3). 1 of the submissions does not count toward it. Last evaluated 2025-08-11.

Conditions:
Mucopolysaccharidosis type 6 (MPS6). Also called: MPS VI; ARSB DEFICIENCY; ARYLSULFATASE B DEFICIENCY; MPS 6; Maroteaux Lamy syndrome; N-ACETYLGALACTOSAMINE-4-SULFATASE DEFICIENCY. Identifiers: Orphanet 583, MedGen C0026709, MONDO:0009661, OMIM 253200.

Submissions (5):

Natera, Inc.
Classification: Likely pathogenic for Mucopolysaccharidosis type VI. Last evaluated: 2025-08-11. Review status: criteria provided, single submitter. Criteria: Natera Variant Classification Schema (03/2026). Collection method: clinical testing. Allele origin: germline.
Comment: The c.960C>G variant in ARSB is a missense variant predicted to cause substitution of serine to arginine at amino acid 320. This variant is rare in the general population with a frequency below the threshold expected for the associated phenotype(s). This variant has been observed in one or more individuals affected with the associated recessive disease, as either homozygous or compound heterozygous with a second variant (PMID: 26609033). Functional studies show that this variant may disrupt protein function (PMID: 27826022). Computational prediction algorithms indicate this variant is likely to affect gene or protein function. Given the available evidence, this variant is classified as Likely Pathogenic.

Revvity Omics, Revvity
Classification: Likely pathogenic for Mucopolysaccharidosis type 6. Last evaluated: 2025-05-27. Review status: criteria provided, single submitter. Criteria: ACMG Guidelines, 2015. Collection method: clinical testing. Allele origin: germline.

Labcorp Genetics (formerly Invitae), Labcorp
Classification: Pathogenic for Mucopolysaccharidosis type 6. Last evaluated: 2023-08-02. Review status: criteria provided, single submitter. Criteria: Invitae Variant Classification Sherloc (09022015). Collection method: clinical testing. Allele origin: germline.
Comment: For these reasons, this variant has been classified as Pathogenic. Experimental studies have shown that this missense change affects ARSB function (PMID: 27826022). Advanced modeling of protein sequence and biophysical properties (such as structural, functional, and spatial information, amino acid conservation, physicochemical variation, residue mobility, and thermodynamic stability) performed at Invitae indicates that this missense variant is expected to disrupt ARSB protein function. ClinVar contains an entry for this variant (Variation ID: 430162). This missense change has been observed in individual(s) with mucopolysaccharidosis type VI (PMID: 10923267, 11668612, 26609033). In at least one individual the data is consistent with being in trans (on the opposite chromosome) from a pathogenic variant. This variant is not present in population databases (gnomAD no frequency). This sequence change replaces serine, which is neutral and polar, with arginine, which is basic and polar, at codon 320 of the ARSB protein (p.Ser320Arg).

GeneDx
Classification: Likely pathogenic. Last evaluated: 2016-06-15. Review status: criteria provided, single submitter. Criteria: GeneDx Variant Classification (06012015). Collection method: clinical testing. Allele origin: germline. Affected: yes.
Comment: The S320R variant has previously been reported in association with mucopolysaccharidosis VI (MPSVI) in an individual who was homozygous for S320R and another individual who was compound heterozygous for S320R and a frameshift variant in ARSB (Litjens et al., 2001; Uttarilli et al., 2015). The S320R variant is a semi-conservative amino acid substitution, which may impact secondary protein structure as these residues differ in some properties. This substitution occurs at a position that is conserved across species, and in silico analysis predicts this variant is probably damaging to the protein structure/function. Missense variants in nearby residues (R315Q, L321P, G324V) have been reported in the Human Gene Mutation Database in association with MPSVI (Stenson et al., 2014), supporting the functional importance of this region of the protein.] Therefore, we interpret S320R to be a likely pathogenic variant.

Laboratory of Diagnosis and Therapy of Lysosomal Disorders, University of Padova
Classification: Uncertain significance for Mucopolysaccharidosis type 6. Last evaluated: 2018-01-01. Review status: flagged submission. Criteria: ACMG Guidelines, 2015. Collection method: curation. Allele origin: germline. Affected: yes. Not counted in ClinVar's aggregate classification.
Comment: Absent from GnomAD (PM2); Multiple lines of computational evidence support a deleterious effect on the gene product (PP3)
ClinVar note: Reason: Outlier claim with insufficient supporting evidence

Literature cited by the submitters: PubMed 26609033 (cited by 3 submitters); PubMed 27826022 (cited by Natera, Inc. and Labcorp Genetics (formerly Invitae), Labcorp); PubMed 10923267 (cited by Labcorp Genetics (formerly Invitae), Labcorp and Laboratory of Diagnosis and Therapy of Lysosomal Disorders, University of Padova); PubMed 11668612 (cited by Labcorp Genetics (formerly Invitae), Labcorp); PubMed 30118150 (cited by Laboratory of Diagnosis and Therapy of Lysosomal Disorders, University of Padova).

NM_000046.5(ARSB):c.960C>G (p.Ser320Arg)

Gene: ARSB (arylsulfatase B; minus strand). Cytogenetic location: 5q14.1.
Variant type: single nucleotide variant.
Coding change: c.960C>G on transcript NM_000046.5 (MANE Select); coding-DNA position 960, C replaced by G.
Protein change: p.Ser320Arg; replaces serine 320 with arginine.
Molecular consequence: missense variant.
Genome position (GRCh38, 1-based): chr5:78,885,766, G>C on the plus strand (C>G on the coding strand, the complement: ARSB is on the minus strand). VCF-style: chr5-78885766-G-C. GRCh37 (hg19) VCF-style: chr5-78181589-G-C.
Other names: c.960C>G, p.Ser320Arg (NM_198709.3); short protein forms S320R.
Identifiers: ClinVar variation 430162 (VCV000430162.15), dbSNP rs762614315, ClinGen allele CA360343328.